The following is an entry in ClinVar:

ClinVar aggregate classification (germline): Benign/Likely benign. Review status: criteria provided, multiple submitters, no conflicts (2 of 4 stars). 8 submissions from 8 submitters: Benign (1); Likely benign (7). Last evaluated 2026-01-14.

Conditions:
Lynch syndrome. Identifiers: Orphanet 144, MedGen C4552100, MONDO:0005835. Disease mechanism: loss of function.
Hereditary nonpolyposis colorectal neoplasms. Identifiers: MedGen C0009405, MeSH D003123.
Hereditary cancer-predisposing syndrome. Also called: Neoplastic Syndromes, Hereditary; Tumor predisposition; Hereditary Cancer Syndrome; Hereditary neoplastic syndrome. Identifiers: Orphanet 140162, MedGen C0027672, MeSH D009386, MONDO:0015356.
Lynch syndrome 5 (LYNCH5). Also called: Colorectal cancer, hereditary nonpolyposis, type 5; Hereditary non-polyposis colorectal cancer, type 5. Identifiers: Orphanet 144, MedGen C1833477, MONDO:0013710, OMIM 614350. Disease mechanism: loss of function.

Allele frequency attached by ClinVar (database versions not stated): ExAC 0.00001; TOPMed 0.00001.
gnomAD v4.1: 7 of 1,614,202 alleles (0.00043%); highest among the groups gnomAD compares: Admixed American, 0.0083%; no homozygotes.

Submissions (8):

Labcorp Genetics (formerly Invitae), Labcorp
Classification: Likely benign for Hereditary nonpolyposis colorectal neoplasms. Last evaluated: 2026-01-14. Review status: criteria provided, single submitter. Criteria: Invitae Variant Classification Sherloc (09022015). Collection method: clinical testing. Allele origin: germline.

Myriad Genetics, Inc.
Classification: Benign for Lynch syndrome 5. Last evaluated: 2024-12-30. Review status: criteria provided, single submitter. Criteria: Myriad Autosomal Dominant, Autosomal Recessive and X-Linked Classification Criteria (2023). Collection method: clinical testing. Allele origin: unknown.
Comment: This variant is considered benign. This variant is a silent/synonymous amino acid change and it is not expected to impact splicing.

All of Us Research Program, National Institutes of Health
Classification: Likely benign for Lynch syndrome. Last evaluated: 2023-11-30. Review status: criteria provided, single submitter. Criteria: ACMG Guidelines, 2015. Collection method: clinical testing. Allele origin: germline. Inheritance: Autosomal dominant inheritance. Observed: 3 variant alleles, 3 heterozygotes.
Comment: This study involves interpretation of variants in research participants for the purpose of population health screening. Participant phenotype was not available at the time of variant classification. Additional details can be found in publication PMID: 35346344, PMCID: PMC8962531

Women's Health and Genetics/Laboratory Corporation of America, LabCorp
Classification: Likely benign. Last evaluated: 2023-07-05. Review status: criteria provided, single submitter. Criteria: LabCorp Variant Classification Summary - May 2015. Collection method: clinical testing. Allele origin: germline.

Quest Diagnostics Nichols Institute San Juan Capistrano
Classification: Likely benign. Last evaluated: 2020-07-23. Review status: criteria provided, single submitter. Criteria: Quest Diagnostics criteria. Collection method: clinical testing. Allele origin: unknown.

Color Diagnostics, LLC DBA Color Health
Classification: Likely benign for Hereditary cancer-predisposing syndrome. Last evaluated: 2019-11-15. Review status: criteria provided, single submitter. Criteria: ACMG Guidelines, 2015. Collection method: clinical testing. Allele origin: germline.

GeneDx
Classification: Likely benign. Last evaluated: 2018-05-04. Review status: criteria provided, single submitter. Criteria: GeneDx Variant Classification (06012015). Collection method: clinical testing. Allele origin: germline. Affected: yes.
Comment: This variant is considered likely benign or benign based on one or more of the following criteria: it is a conservative change, it occurs at a poorly conserved position in the protein, it is predicted to be benign by multiple in silico algorithms, and/or has population frequency not consistent with disease.

Ambry Genetics
Classification: Likely benign for Hereditary cancer-predisposing syndrome. Last evaluated: 2015-02-19. Review status: criteria provided, single submitter. Criteria: Ambry Variant Classification Scheme 2023. Collection method: clinical testing. Allele origin: germline.

NM_000179.3(MSH6):c.1938G>A (p.Lys646=)

Gene: MSH6 (mutS homolog 6; plus strand). Cytogenetic location: 2p16.3.
Variant type: single nucleotide variant.
Coding change: c.1938G>A on transcript NM_000179.3 (MANE Select); coding-DNA position 1938, G replaced by A.
Protein change: p.Lys646=; no amino-acid change (lysine 646 retained).
Molecular consequence: synonymous variant.
Genome position (GRCh38, 1-based): chr2:47,799,921, G>A. VCF-style: chr2-47799921-G-A. GRCh37 (hg19) VCF-style: chr2-48027060-G-A.
Other names: c.1548G>A, p.Lys516= (NM_001281492.2); c.1032G>A, p.Lys344= (NM_001281493.2, NM_001281494.2).
Identifiers: ClinVar variation 230540 (VCV000230540.23), dbSNP rs758631207, ClinGen allele CA068291.